The following is an entry in ClinVar:

NM_001985.3(ETFB):c.281C>A (p.Ala94Glu)

Gene: ETFB (electron transfer flavoprotein subunit beta; minus strand). Cytogenetic location: 19q13.41.
Variant type: single nucleotide variant.
Coding change: c.281C>A on transcript NM_001985.3 (MANE Select); coding-DNA position 281, C replaced by A.
Protein change: p.Ala94Glu; replaces alanine 94 with glutamic acid.
Molecular consequence: missense variant.
Genome position (GRCh38, 1-based): chr19:51,353,226, G>T on the plus strand (C>A on the coding strand, the complement: ETFB is on the minus strand). VCF-style: chr19-51353226-G-T. GRCh37 (hg19) VCF-style: chr19-51856480-G-T.
Other names: c.554C>A, p.Ala185Glu (NM_001014763.1); short protein forms A185E, A94E.
Identifiers: ClinVar variation 3656473 (VCV003656473.2).

ClinVar aggregate classification (germline): Uncertain significance (1 of 4 stars; one submission).

Conditions:
Multiple acyl-CoA dehydrogenase deficiency (MADD). Also called: Glutaric aciduria, type 2; Glutaric acidemia type II; GA 2; ETHYLMALONIC-ADIPICACIDURIA; GA II; Glutaric Acidemia type 2. Identifiers: Orphanet 26791, MedGen C0268596, MONDO:0009282, OMIM 231680.

gnomAD v4.1: 1 of 1,614,086 alleles (0.000062%); highest among the groups gnomAD compares: South Asian, 0.0011%; no homozygotes.

Submission:

Labcorp Genetics (formerly Invitae), Labcorp
Classification: Uncertain significance for Multiple acyl-CoA dehydrogenase deficiency. Last evaluated: 2024-11-07. Review status: criteria provided, single submitter. Criteria: Invitae Variant Classification Sherloc (09022015). Collection method: clinical testing. Allele origin: germline.
Comment: This sequence change replaces alanine, which is neutral and non-polar, with glutamic acid, which is acidic and polar, at codon 94 of the ETFB protein (p.Ala94Glu). This variant is not present in population databases (gnomAD no frequency). This variant has not been reported in the literature in individuals affected with ETFB-related conditions. Invitae Evidence Modeling of protein sequence and biophysical properties (such as structural, functional, and spatial information, amino acid conservation, physicochemical variation, residue mobility, and thermodynamic stability) indicates that this missense variant is not expected to disrupt ETFB protein function with a negative predictive value of 95%. In summary, the available evidence is currently insufficient to determine the role of this variant in disease. Therefore, it has been classified as a Variant of Uncertain Significance.